The following is an entry in ClinVar:

ClinVar aggregate classification (germline): Uncertain significance. Review status: criteria provided, multiple submitters, no conflicts (2 of 4 stars). 3 submissions from 3 submitters: Uncertain significance (3). Last evaluated 2024-05-28.

Conditions:
Hereditary cancer-predisposing syndrome. Also called: Tumor predisposition; Neoplastic Syndromes, Hereditary; Hereditary Cancer Syndrome; Hereditary neoplastic syndrome. Identifiers: Orphanet 140162, MedGen C0027672, MeSH D009386, MONDO:0015356.
Rhabdoid tumor predisposition syndrome 2 (RTPS2). Identifiers: OMIM 613325, Orphanet 231108, Orphanet 69077, MedGen C2750074, MONDO:0013224.

Submissions (3):

Labcorp Genetics (formerly Invitae), Labcorp
Classification: Uncertain significance for Rhabdoid tumor predisposition syndrome 2. Last evaluated: 2024-05-28. Review status: criteria provided, single submitter. Criteria: Invitae Variant Classification Sherloc (09022015). Collection method: clinical testing. Allele origin: germline.
Comment: This sequence change replaces serine, which is neutral and polar, with proline, which is neutral and non-polar, at codon 131 of the SMARCA4 protein (p.Ser131Pro). This variant is not present in population databases (gnomAD no frequency). This variant has not been reported in the literature in individuals affected with SMARCA4-related conditions. ClinVar contains an entry for this variant (Variation ID: 1708587). Advanced modeling of protein sequence and biophysical properties (such as structural, functional, and spatial information, amino acid conservation, physicochemical variation, residue mobility, and thermodynamic stability) performed at Invitae indicates that this missense variant is not expected to disrupt SMARCA4 protein function with a negative predictive value of 95%. In summary, the available evidence is currently insufficient to determine the role of this variant in disease. Therefore, it has been classified as a Variant of Uncertain Significance.

Ambry Genetics
Classification: Uncertain significance for Hereditary cancer-predisposing syndrome. Last evaluated: 2024-02-05. Review status: criteria provided, single submitter. Criteria: Ambry Variant Classification Scheme 2023. Collection method: clinical testing. Allele origin: germline.
Comment: The p.S131P variant (also known as c.391T>C), located in coding exon 3 of the SMARCA4 gene, results from a T to C substitution at nucleotide position 391. The serine at codon 131 is replaced by proline, an amino acid with similar properties. This amino acid position is well conserved in available vertebrate species; however, proline is the reference amino acid in other vertebrate species. In addition, this alteration is predicted to be tolerated by in silico analysis. Based on the available evidence, the clinical significance of this alteration remains unclear.

GeneDx
Classification: Uncertain significance. Last evaluated: 2022-04-08. Review status: criteria provided, single submitter. Criteria: GeneDx Variant Classification Process June 2021. Collection method: clinical testing. Allele origin: germline. Affected: yes.
Comment: Not observed at significant frequency in large population cohorts (gnomAD); In silico analysis supports that this missense variant does not alter protein structure/function; Has not been previously published as pathogenic or benign to our knowledge

NM_003072.5(SMARCA4):c.391T>C (p.Ser131Pro)

Gene: SMARCA4 (SWI/SNF related BAF chromatin remodeling complex subunit ATPase 4; plus strand). Cytogenetic location: 19p13.2.
Variant type: single nucleotide variant.
Coding change: c.391T>C on transcript NM_003072.5 (MANE Select); coding-DNA position 391, T replaced by C.
Protein change: p.Ser131Pro; replaces serine 131 with proline.
Molecular consequence: missense variant. On other transcripts: non-coding transcript variant (1).
Genome position (GRCh38, 1-based): chr19:10,986,224, T>C. VCF-style: chr19-10986224-T-C. GRCh37 (hg19) VCF-style: chr19-11096900-T-C.
Other names: c.391T>C, p.Ser131Pro (NM_001128844.3, NM_001128845.2, NM_001128846.2 and 6 more transcripts); short protein forms S131P.
Identifiers: ClinVar variation 1708587 (VCV001708587.9), dbSNP rs2145772339, ClinGen allele CA404055735.